The following is an entry in ClinVar:

NM_003055.3(SLC18A3):c.1475G>A (p.Gly492Asp)

Genes: CHAT (choline O-acetyltransferase; plus strand), SLC18A3 (solute carrier family 18 member A3; plus strand). Cytogenetic location: 10q11.23.
Variant type: single nucleotide variant.
Coding change: c.1475G>A on transcript NM_003055.3 (MANE Select); coding-DNA position 1475, G replaced by A.
Protein change: p.Gly492Asp; replaces glycine 492 with aspartic acid.
Molecular consequence: missense variant. On other transcripts: intron variant (1).
Genome position (GRCh38, 1-based): chr10:49,612,215, G>A. VCF-style: chr10-49612215-G-A. GRCh37 (hg19) VCF-style: chr10-50820261-G-A.
Other names: c.-69+3016G>A (NM_020984.4); short protein forms G492D.
Identifiers: ClinVar variation 1997347 (VCV001997347.4), dbSNP rs2496275913, ClinGen allele CA376723684.

ClinVar aggregate classification (germline): Uncertain significance (1 of 4 stars; one submission).

Submission:

Labcorp Genetics (formerly Invitae), Labcorp
Classification: Uncertain significance. Last evaluated: 2022-05-21. Review status: criteria provided, single submitter. Criteria: Invitae Variant Classification Sherloc (09022015). Collection method: clinical testing. Allele origin: germline.
Comment: In summary, the available evidence is currently insufficient to determine the role of this variant in disease. Therefore, it has been classified as a Variant of Uncertain Significance. Algorithms developed to predict the effect of missense changes on protein structure and function are either unavailable or do not agree on the potential impact of this missense change (SIFT: "Deleterious"; PolyPhen-2: "Possibly Damaging"; Align-GVGD: "Class C0"). This variant has not been reported in the literature in individuals affected with SLC18A3-related conditions. This variant is not present in population databases (gnomAD no frequency). This sequence change replaces glycine, which is neutral and non-polar, with aspartic acid, which is acidic and polar, at codon 492 of the SLC18A3 protein (p.Gly492Asp).